The following is an entry in ClinVar:

ClinVar aggregate classification (germline): Uncertain significance (1 of 4 stars; one submission).

Allele frequency attached by ClinVar (database versions not stated): gnomAD exomes below 0.00001.
gnomAD v4.1: 5 of 1,613,570 alleles (0.00031%); highest among the groups gnomAD compares: East Asian, 0.011%; no homozygotes.

Submission:

Labcorp Genetics (formerly Invitae), Labcorp
Classification: Uncertain significance. Last evaluated: 2022-03-04. Review status: criteria provided, single submitter. Criteria: Invitae Variant Classification Sherloc (09022015). Collection method: clinical testing. Allele origin: germline.
Comment: In summary, the available evidence is currently insufficient to determine the role of this variant in disease. Therefore, it has been classified as a Variant of Uncertain Significance. Algorithms developed to predict the effect of missense changes on protein structure and function are either unavailable or do not agree on the potential impact of this missense change (SIFT: "Not Available"; PolyPhen-2: "Possibly Damaging"; Align-GVGD: "Not Available"). This variant has not been reported in the literature in individuals affected with MYO18B-related conditions. This variant is present in population databases (rs772673393, gnomAD 0.03%). This sequence change replaces leucine, which is neutral and non-polar, with arginine, which is basic and polar, at codon 1074 of the MYO18B protein (p.Leu1074Arg).

NM_032608.7(MYO18B):c.3221T>G (p.Leu1074Arg)

Gene: MYO18B (myosin XVIIIB; plus strand). Cytogenetic location: 22q12.1.
Variant type: single nucleotide variant.
Coding change: c.3221T>G on transcript NM_032608.7 (MANE Select); coding-DNA position 3221, T replaced by G.
Protein change: p.Leu1074Arg; replaces leucine 1074 with arginine.
Molecular consequence: missense variant.
Genome position (GRCh38, 1-based): chr22:25,843,747, T>G. VCF-style: chr22-25843747-T-G. GRCh37 (hg19) VCF-style: chr22-26239714-T-G.
Other names: c.3224T>G, p.Leu1075Arg (NM_001318245.2); short protein forms L1074R, L1075R.
Identifiers: ClinVar variation 2097640 (VCV002097640.4), dbSNP rs772673393, ClinGen allele CA10160502.